The following is an entry in ClinVar:

ClinVar aggregate classification (germline): Uncertain significance (1 of 4 stars; one submission).

Submission:

Labcorp Genetics (formerly Invitae), Labcorp
Classification: Uncertain significance. Last evaluated: 2024-05-09. Review status: criteria provided, single submitter. Criteria: Invitae Variant Classification Sherloc (09022015). Collection method: clinical testing. Allele origin: germline.
Comment: This sequence change replaces glutamine, which is neutral and polar, with leucine, which is neutral and non-polar, at codon 476 of the CFH protein (p.Gln476Leu). This variant is not present in population databases (gnomAD no frequency). This variant has not been reported in the literature in individuals affected with CFH-related conditions. An algorithm developed to predict the effect of missense changes on protein structure and function (PolyPhen-2) suggests that this variant is likely to be tolerated. In summary, the available evidence is currently insufficient to determine the role of this variant in disease. Therefore, it has been classified as a Variant of Uncertain Significance.

NM_000186.4(CFH):c.1427A>T (p.Gln476Leu)

Gene: CFH (complement factor H; plus strand). Cytogenetic location: 1q31.3.
Variant type: single nucleotide variant.
Coding change: c.1427A>T on transcript NM_000186.4 (MANE Select); coding-DNA position 1427, A replaced by T.
Protein change: p.Gln476Leu; replaces glutamine 476 with leucine.
Molecular consequence: missense variant.
Genome position (GRCh38, 1-based): chr1:196,713,825, A>T. VCF-style: chr1-196713825-A-T. GRCh37 (hg19) VCF-style: chr1-196682955-A-T.
Other names: short protein forms Q476L.
Identifiers: ClinVar variation 3685620 (VCV003685620.2).